The following is an entry in ClinVar:

ClinVar aggregate classification (germline): Likely benign (1 of 4 stars; one submission).

Conditions:
RIPOR2-related disorder. Also called: RIPOR2-related condition.

gnomAD v4.1: 1 of 1,551,636 alleles (0.000064%); highest among the groups gnomAD compares: African/African-American, 0.0014%; no homozygotes.

Submission:

PreventionGenetics, part of Exact Sciences
Classification: Likely benign for RIPOR2-related condition. Last evaluated: 2026-09-04. Review status: criteria provided, single submitter. Criteria: ACMG Guidelines, 2015. Collection method: clinical testing. Allele origin: germline.
Comment: This variant is classified as likely benign based on ACMG/AMP sequence variant interpretation guidelines (Richards et al. 2015 PMID: 25741868, with internal and published modifications).

NM_001286445.3(RIPOR2):c.1164+367C>A

Gene: RIPOR2 (RHO family interacting cell polarization regulator 2; minus strand). Cytogenetic location: 6p22.3.
Variant type: single nucleotide variant.
Coding change: c.1164+367C>A on transcript NM_001286445.3 (MANE Select); 367 bases into the intron after coding-DNA position 1164, C replaced by A.
Molecular consequence: intron variant. On other transcripts: synonymous variant (1).
Genome position (GRCh38, 1-based): chr6:24,847,658, G>T on the plus strand (C>A on the coding strand, the complement: RIPOR2 is on the minus strand). VCF-style: chr6-24847658-G-T. GRCh37 (hg19) VCF-style: chr6-24847886-G-T.
Other names: c.1111C>A, p.Arg371= (NM_014722.5); c.1077+367C>A (NM_001346031.2, NM_001346032.2, NM_015864.5 and 1 more transcripts); c.1179+367C>A (NM_001286446.3).
Identifiers: ClinVar variation 4979678 (VCV004979678.1).